The following is an entry in ClinVar:

ClinVar aggregate classification (germline): Uncertain significance (1 of 4 stars; one submission).

Conditions:
Perlman syndrome (PRLMNS). Identifiers: Orphanet 2849, MedGen C0796113, MONDO:0009965, OMIM 267000.

Submission:

Labcorp Genetics (formerly Invitae), Labcorp
Classification: Uncertain significance for Perlman syndrome. Last evaluated: 2022-03-10. Review status: criteria provided, single submitter. Criteria: Invitae Variant Classification Sherloc (09022015). Collection method: clinical testing. Allele origin: germline.
Comment: In summary, the available evidence is currently insufficient to determine the role of this variant in disease. Therefore, it has been classified as a Variant of Uncertain Significance. Algorithms developed to predict the effect of missense changes on protein structure and function are either unavailable or do not agree on the potential impact of this missense change (SIFT: "Tolerated"; PolyPhen-2: "Possibly Damaging"; Align-GVGD: "Class C0"). This variant has not been reported in the literature in individuals affected with DIS3L2-related conditions. This variant is not present in population databases (gnomAD no frequency). This sequence change replaces lysine, which is basic and polar, with arginine, which is basic and polar, at codon 252 of the DIS3L2 protein (p.Lys252Arg).

NM_152383.5(DIS3L2):c.755A>G (p.Lys252Arg)

Gene: DIS3L2 (DIS3 like 3'-5' exoribonuclease 2; plus strand). Cytogenetic location: 2q37.1.
Variant type: single nucleotide variant.
Coding change: c.755A>G on transcript NM_152383.5 (MANE Select); coding-DNA position 755, A replaced by G.
Protein change: p.Lys252Arg; replaces lysine 252 with arginine.
Molecular consequence: missense variant. On other transcripts: non-coding transcript variant (1).
Genome position (GRCh38, 1-based): chr2:232,136,524, A>G. VCF-style: chr2-232136524-A-G. GRCh37 (hg19) VCF-style: chr2-233001234-A-G.
Other names: c.755A>G, p.Lys252Arg (NM_001257281.2); short protein forms K252R.
Identifiers: ClinVar variation 1936186 (VCV001936186.5), dbSNP rs2469848312, ClinGen allele CA351153519.
Genomic context (GRCh38, chr2:232,136,524, plus strand): 5'-GTTTTTAGGTGGTTTACATCTTGGAGAAAAAACATTCTCGAGCAGCAACCGGCTTCCTCA[A>G]ACTCTTGGCTGATAAGAACAGCGAACTGTTTAGGAAATACGCCCTGTTTTCTCCCTCAGA-3'
Protein context (NP_689596.4, residues 242-262): KHSRAATGFL[Lys252Arg]LLADKNSELF